The following is an entry in ClinVar:

ClinVar aggregate classification (germline): Uncertain significance. Review status: criteria provided, multiple submitters, no conflicts (2 of 4 stars). 4 submissions from 4 submitters: Uncertain significance (4). Last evaluated 2025-11-18.

Conditions:
Capillary malformation-arteriovenous malformation syndrome. Also called: Capillary malformation-arteriovenous malformation. Identifiers: Orphanet 137667, MedGen C1842180, MONDO:0012016.
Capillary malformation-arteriovenous malformation 1 (CMAVM1). Identifiers: Orphanet 137667, Orphanet 693907, MedGen C4747394, MONDO:0020783, OMIM 608354.
Cardiovascular phenotype. Identifiers: MedGen CN230736.

Allele frequency attached by ClinVar (database versions not stated): gnomAD 0.00003 and 0.00004; ExAC 0.00001; TOPMed 0.00002.
gnomAD v4.1: 66 of 1,613,860 alleles (0.0041%); highest among the groups gnomAD compares: Non-Finnish European, 0.0053%; no homozygotes.

Submissions (4):

Labcorp Genetics (formerly Invitae), Labcorp
Classification: Uncertain significance for Capillary malformation-arteriovenous malformation syndrome. Last evaluated: 2025-11-18. Review status: criteria provided, single submitter. Criteria: Invitae Variant Classification Sherloc (09022015). Collection method: clinical testing. Allele origin: germline.
Comment: This sequence change replaces proline, which is neutral and non-polar, with alanine, which is neutral and non-polar, at codon 697 of the RASA1 protein (p.Pro697Ala). This variant is present in population databases (rs759711265, gnomAD 0.002%). This variant has not been reported in the literature in individuals affected with RASA1-related conditions. ClinVar contains an entry for this variant (Variation ID: 907944). An algorithm developed to predict the effect of missense changes on protein structure and function (PolyPhen-2) suggests that this variant is likely to be disruptive. In summary, the available evidence is currently insufficient to determine the role of this variant in disease. Therefore, it has been classified as a Variant of Uncertain Significance.

Ambry Genetics
Classification: Uncertain significance for Cardiovascular phenotype. Last evaluated: 2024-02-24. Review status: criteria provided, single submitter. Criteria: Ambry Variant Classification Scheme 2023. Collection method: clinical testing. Allele origin: germline.
Comment: The p.P697A variant (also known as c.2089C>G), located in coding exon 16 of the RASA1 gene, results from a C to G substitution at nucleotide position 2089. The proline at codon 697 is replaced by alanine, an amino acid with highly similar properties. This amino acid position is conserved. In addition, the in silico prediction for this alteration is inconclusive. Based on the available evidence, the clinical significance of this alteration remains unclear.

Molecular Genetics, Royal Melbourne Hospital
Classification: Uncertain significance for Capillary malformation-arteriovenous malformation 1. Last evaluated: 2021-11-11. Review status: criteria provided, single submitter. Criteria: ACMG Guidelines, 2015. Collection method: clinical testing. Allele origin: germline.
Comment: This sequence change in RASA1 is predicted to replace proline with alanine at codon 697 (p.(Pro697Ala)). The proline residue is highly conserved (100 vertebrates, UCSC), and is not located in an annotated functional domain. There is a small physicochemical difference between proline and alanine. The highest population minor allele frequency in gnomAD v3.1 is 0.006% (4/68,032 alleles) in European (non-Finnish) population. To our knowledge, this variant has not been reported in the literature in any individuals with RASA1-related disease. It has been classified as a variant of uncertain significance (ClinVar ID: 907944). This variant has been observed in two heterozygous ostensibly healthy individuals (gnomAD v2.1; SCV001319753.1). Multiple lines of computational evidence predict a deleterious effect for the missense substitution (5/6 algorithms). Based on the classification scheme RMH Modified ACMG Guidelines v1.4.0, this variant is classified as a VARIANT OF UNCERTAIN SIGNIFICANCE. Following criteria are met: PP3, BS2_Supporting.

Illumina Laboratory Services, Illumina
Classification: Uncertain significance for Capillary malformation-arteriovenous malformation 1. Last evaluated: 2018-01-13. Review status: criteria provided, single submitter. Criteria: ICSL Variant Classification Criteria 13 December 2019. Collection method: clinical testing. Allele origin: germline.

NM_002890.3(RASA1):c.2089C>G (p.Pro697Ala)

Genes: CCNH (cyclin H; minus strand), RASA1 (RAS p21 protein activator 1; plus strand). Cytogenetic location: 5q14.3.
Variant type: single nucleotide variant.
Coding change: c.2089C>G on transcript NM_002890.3 (MANE Select); coding-DNA position 2089, C replaced by G.
Protein change: p.Pro697Ala; replaces proline 697 with alanine.
Molecular consequence: missense variant. On other transcripts: intron variant (1).
Genome position (GRCh38, 1-based): chr5:87,376,470, C>G. VCF-style: chr5-87376470-C-G. GRCh37 (hg19) VCF-style: chr5-86672287-C-G.
Other names: c.1558C>G, p.Pro520Ala (NM_022650.3); c.933+18574G>C (NM_001364075.2); short protein forms P697A, P520A.
Identifiers: ClinVar variation 907944 (VCV000907944.14), dbSNP rs759711265, ClinGen allele CA3335920.
Genomic context (GRCh38, chr5:87,376,470, plus strand): 5'-TTGAGCCGATTACAGAAAGGGCATGCCACAGATGAATGGTTTCTGCTCAGCTCCCATATA[C>G]CATTAAAAGGTATTGAACCAGGGTCCCTGCGTGTTCGAGCACGATACTCTATGGAAAAAA-3'
Protein context (NP_002881.1, residues 687-707): DEWFLLSSHI[Pro697Ala]LKGIEPGSLR